The following is an entry in ClinVar:

NM_144596.4(TTC8):c.1293C>A (p.Ala431=)

Gene: TTC8 (tetratricopeptide repeat domain 8; plus strand). Cytogenetic location: 14q31.3.
Variant type: single nucleotide variant.
Coding change: c.1293C>A on transcript NM_144596.4 (MANE Select); coding-DNA position 1293, C replaced by A.
Protein change: p.Ala431=; no amino-acid change (alanine 431 retained).
Molecular consequence: synonymous variant. On other transcripts: non-coding transcript variant (1).
Genome position (GRCh38, 1-based): chr14:88,872,398, C>A. VCF-style: chr14-88872398-C-A. GRCh37 (hg19) VCF-style: chr14-89338742-C-A.
Other names: c.1341C>A, p.Ala447= (NM_001288781.1); c.699C>A, p.Ala233= (NM_001288782.1); c.576C>A, p.Ala192= (NM_001288783.1); c.1263C>A, p.Ala421= (NM_001366535.2, NM_198309.3); c.1173C>A, p.Ala391= (NM_001366536.2, NM_198310.3).
Identifiers: ClinVar variation 4999352 (VCV004999352.1).

ClinVar aggregate classification (germline): Likely benign (1 of 4 stars; one submission).

Conditions:
TTC8-related disorder. Also called: TTC8-related condition.

Submission:

PreventionGenetics, part of Exact Sciences
Classification: Likely benign for TTC8-related condition. Last evaluated: 2025-01-20. Review status: criteria provided, single submitter. Criteria: ACMG Guidelines, 2015. Collection method: clinical testing. Allele origin: germline.
Comment: This variant is classified as likely benign based on ACMG/AMP sequence variant interpretation guidelines (Richards et al. 2015 PMID: 25741868, with internal and published modifications).